The following is an entry in ClinVar:

ClinVar aggregate classification (germline): Uncertain significance. Review status: criteria provided, multiple submitters, no conflicts (2 of 4 stars). 4 submissions from 4 submitters: Uncertain significance (3). 1 of the submissions does not count toward it. Last evaluated 2026-02-11.

Conditions:
Xeroderma pigmentosum, group F (XPF). Also called: ERCC4-Related Xeroderma Pigmentosum; XERODERMA PIGMENTOSUM, TYPE F; Xeroderma pigmentosum, type 6; XP, GROUP F; XERODERMA PIGMENTOSUM VI; XERODERMA PIGMENTOSUM, COMPLEMENTATION GROUP F. Identifiers: MedGen C0268140, MONDO:0010215, OMIM 278760.
Fanconi anemia complementation group Q. Identifiers: Orphanet 84, MedGen C3808988, MONDO:0014108, OMIM 615272.
Cockayne syndrome. Identifiers: Orphanet 191, MedGen C0009207, MONDO:0016006.

Allele frequency attached by ClinVar (database versions not stated): gnomAD exomes below 0.00001; TOPMed 0.00001.
gnomAD v4.1: 17 of 1,614,154 alleles (0.0011%); highest among the groups gnomAD compares: African/African-American, 0.0067%; no homozygotes.

Submissions (4):

St. Jude Molecular Pathology, St. Jude Children's Research Hospital
Classification: Uncertain significance for Xeroderma pigmentosum, group F. Last evaluated: 2026-02-11. Review status: criteria provided, single submitter. Criteria: St. Jude Assertion Criteria 2020. Collection method: clinical testing. Allele origin: germline.
Comment: The ERCC4 c.1657A>G p.(Ile553Val) missense change has a maximum subpopulation frequency of 0.0009% in gnomAD v2.1.1. The in silico tool REVEL predicts a benign effect on protein function, but to our knowledge this prediction has not been confirmed by functional studies. To our knowledge, this variant has not been reported in the literature in individuals with Fanconi anemia or Xeroderma pigmentosum. In summary, the evidence currently available is insufficient to determine the clinical significance of this variant. It has therefore been classified as of uncertain significance.

Baylor Genetics
Classification: Uncertain significance for Fanconi anemia complementation group Q. Last evaluated: 2023-08-09. Review status: criteria provided, single submitter. Criteria: ACMG Guidelines, 2015. Collection method: clinical testing. Allele origin: unknown.

Labcorp Genetics (formerly Invitae), Labcorp
Classification: Uncertain significance for Fanconi anemia complementation group Q; Xeroderma pigmentosum, group F; Cockayne syndrome. Last evaluated: 2022-10-13. Review status: criteria provided, single submitter. Criteria: Invitae Variant Classification Sherloc (09022015). Collection method: clinical testing. Allele origin: germline.
Comment: This sequence change replaces isoleucine, which is neutral and non-polar, with valine, which is neutral and non-polar, at codon 553 of the ERCC4 protein (p.Ile553Val). This variant is present in population databases (rs376216413, gnomAD 0.0009%). This variant has not been reported in the literature in individuals affected with ERCC4-related conditions. ClinVar contains an entry for this variant (Variation ID: 134151). Advanced modeling of protein sequence and biophysical properties (such as structural, functional, and spatial information, amino acid conservation, physicochemical variation, residue mobility, and thermodynamic stability) performed at Invitae indicates that this missense variant is not expected to disrupt ERCC4 protein function. In summary, the available evidence is currently insufficient to determine the role of this variant in disease. Therefore, it has been classified as a Variant of Uncertain Significance.

ITMI
No classification provided. Condition: AllHighlyPenetrant. Last evaluated: 2013-09-19. Review status: no classification provided. Collection method: reference population. Allele origin: germline. Not counted in ClinVar's aggregate classification.
Comment: Please see associated publication for description of ethnicities

Literature cited by the submitters: PubMed 24728327 (cited by ITMI).

NM_005236.3(ERCC4):c.1657A>G (p.Ile553Val)

Gene: ERCC4 (ERCC excision repair 4, endonuclease catalytic subunit; plus strand). Cytogenetic location: 16p13.12.
Variant type: single nucleotide variant.
Coding change: c.1657A>G on transcript NM_005236.3 (MANE Select); coding-DNA position 1657, A replaced by G.
Protein change: p.Ile553Val; replaces isoleucine 553 with valine.
Molecular consequence: missense variant.
Genome position (GRCh38, 1-based): chr16:13,935,589, A>G. VCF-style: chr16-13935589-A-G. GRCh37 (hg19) VCF-style: chr16-14029446-A-G.
Other names: short protein forms I553V.
Identifiers: ClinVar variation 134151 (VCV000134151.5), dbSNP rs376216413, ClinGen allele CA158915.